The following is an entry in ClinVar:

NM_032043.3(BRIP1):c.1123G>A (p.Ala375Thr)

Gene: BRIP1 (BRCA1 interacting DNA helicase 1; minus strand). Cytogenetic location: 17q23.2.
Variant type: single nucleotide variant.
Coding change: c.1123G>A on transcript NM_032043.3 (MANE Select); coding-DNA position 1123, G replaced by A.
Protein change: p.Ala375Thr; replaces alanine 375 with threonine.
Molecular consequence: missense variant.
Genome position (GRCh38, 1-based): chr17:61,801,270, C>T on the plus strand (G>A on the coding strand, the complement: BRIP1 is on the minus strand). VCF-style: chr17-61801270-C-T. GRCh37 (hg19) VCF-style: chr17-59878631-C-T.
Other names: short protein forms A375T.
Identifiers: ClinVar variation 241622 (VCV000241622.15), dbSNP rs878855135, ClinGen allele CA10583635.

ClinVar aggregate classification (germline): Uncertain significance. Review status: criteria provided, multiple submitters, no conflicts (2 of 4 stars). 3 submissions from 3 submitters: Uncertain significance (3). Last evaluated 2025-07-31.

Conditions:
Familial cancer of breast. Also called: BREAST CANCER, FAMILIAL; Hereditary breast cancer; hereditary breast carcinoma. Identifiers: Orphanet 227535, MedGen C0346153, MONDO:0016419, OMIM 114480. Disease mechanism: loss of function.
Fanconi anemia complementation group J. Also called: BRIP1-Related Fanconi Anemia. Identifiers: Orphanet 84, MedGen C1836860, MONDO:0012187, OMIM 609054.
Hereditary cancer-predisposing syndrome. Also called: Neoplastic Syndromes, Hereditary; Tumor predisposition; Hereditary neoplastic syndrome; Hereditary Cancer Syndrome. Identifiers: Orphanet 140162, MedGen C0027672, MeSH D009386, MONDO:0015356.

Submissions (3):

Labcorp Genetics (formerly Invitae), Labcorp
Classification: Uncertain significance for Familial cancer of breast; Fanconi anemia complementation group J. Last evaluated: 2025-07-31. Review status: criteria provided, single submitter. Criteria: Invitae Variant Classification Sherloc (09022015). Collection method: clinical testing. Allele origin: germline.
Comment: This sequence change replaces alanine, which is neutral and non-polar, with threonine, which is neutral and polar, at codon 375 of the BRIP1 protein (p.Ala375Thr). This variant is not present in population databases (gnomAD no frequency). This variant has not been reported in the literature in individuals affected with BRIP1-related conditions. ClinVar contains an entry for this variant (Variation ID: 241622). Invitae Evidence Modeling of protein sequence and biophysical properties (such as structural, functional, and spatial information, amino acid conservation, physicochemical variation, residue mobility, and thermodynamic stability) indicates that this missense variant is not expected to disrupt BRIP1 protein function with a negative predictive value of 95%. In summary, the available evidence is currently insufficient to determine the role of this variant in disease. Therefore, it has been classified as a Variant of Uncertain Significance.

Ambry Genetics
Classification: Uncertain significance for Hereditary cancer-predisposing syndrome. Last evaluated: 2024-05-23. Review status: criteria provided, single submitter. Criteria: Ambry Variant Classification Scheme 2023. Collection method: clinical testing. Allele origin: germline.
Comment: The p.A375T variant (also known as c.1123G>A), located in coding exon 7 of the BRIP1 gene, results from a G to A substitution at nucleotide position 1123. The alanine at codon 375 is replaced by threonine, an amino acid with similar properties. This amino acid position is not well conserved in available vertebrate species. In addition, this alteration is predicted to be tolerated by in silico analysis. Since supporting evidence is limited at this time, the clinical significance of this alteration remains unclear.

Baylor Genetics
Classification: Uncertain significance for Familial cancer of breast. Last evaluated: 2024-03-19. Review status: criteria provided, single submitter. Criteria: ACMG Guidelines, 2015. Collection method: clinical testing. Allele origin: unknown.